The following is an entry in ClinVar:

NM_003383.5(VLDLR):c.379dup (p.Cys127fs)

Gene: VLDLR (very low density lipoprotein receptor; plus strand). Cytogenetic location: 9p24.2.
Variant type: Duplication.
Coding change: c.379dup on transcript NM_003383.5 (MANE Select); coding-DNA position 379, one base duplicated (T; older notation c.379dupT).
Protein change: p.Cys127fs; shifts the reading frame from cysteine 127.
Molecular consequence: frameshift variant. On other transcripts: intron variant (2).
Genome position (GRCh38, 1-based): chr9:2,641,430, T duplicated. VCF-style (leftmost placement, unchanged base first): chr9-2641429-G-GT. GRCh37 (hg19) VCF-style: chr9-2641429-G-GT.
Other names: c.379dup, p.Cys127fs (NM_001018056.3); c.325+1449dup (NM_001322225.2, NM_001322226.2); short protein forms C127fs.
Identifiers: ClinVar variation 2698407 (VCV002698407.3), dbSNP rs2488720898, ClinGen allele CA2697550274.

ClinVar aggregate classification (germline): Pathogenic (1 of 4 stars; one submission).

Submission:

Labcorp Genetics (formerly Invitae), Labcorp
Classification: Pathogenic. Last evaluated: 2023-11-24. Review status: criteria provided, single submitter. Criteria: Invitae Variant Classification Sherloc (09022015). Collection method: clinical testing. Allele origin: germline.
Comment: This sequence change creates a premature translational stop signal (p.Cys127Leufs*9) in the VLDLR gene. It is expected to result in an absent or disrupted protein product. Loss-of-function variants in VLDLR are known to be pathogenic (PMID: 18043714, 18326629, 22532556). This variant is not present in population databases (gnomAD no frequency). This variant has not been reported in the literature in individuals affected with VLDLR-related conditions. For these reasons, this variant has been classified as Pathogenic.

Literature cited by the submitters: PubMed 18043714; PubMed 18326629; PubMed 22532556.